The following is an entry in ClinVar:

ClinVar aggregate classification (germline): Pathogenic (1 of 4 stars; one submission).

Conditions:
Early-infantile DEE. Also called: Ohtahara syndrome; Early infantile epileptic encephalopathy; Early infantile epileptic encephalopathy with suppression bursts. Identifiers: Orphanet 1934, MedGen C0393706, MONDO:0800491.

Submission:

Labcorp Genetics (formerly Invitae), Labcorp
Classification: Pathogenic for Early-infantile DEE. Last evaluated: 2023-10-16. Review status: criteria provided, single submitter. Criteria: Invitae Variant Classification Sherloc (09022015). Collection method: clinical testing. Allele origin: germline.
Comment: This sequence change creates a premature translational stop signal (p.Asn619Glnfs*9) in the SCN1A gene. It is expected to result in an absent or disrupted protein product. Loss-of-function variants in SCN1A are known to be pathogenic (PMID: 17347258, 18930999). This variant is not present in population databases (gnomAD no frequency). This variant has not been reported in the literature in individuals affected with SCN1A-related conditions. For these reasons, this variant has been classified as Pathogenic.

Literature cited by the submitters: PubMed 17347258; PubMed 18930999.

NM_001165963.4(SCN1A):c.1854dup (p.Asn619fs)

Gene: SCN1A (sodium voltage-gated channel alpha subunit 1; minus strand). Cytogenetic location: 2q24.3.
Variant type: Duplication.
Coding change: c.1854dup on transcript NM_001165963.4 (MANE Select); coding-DNA position 1854, one base duplicated (C; older notation c.1854dupC).
Protein change: p.Asn619fs; shifts the reading frame from asparagine 619.
Molecular consequence: frameshift variant. On other transcripts: 5 prime UTR variant (1), non-coding transcript variant (1).
Genome position (GRCh38, 1-based): chr2:166,043,858, G duplicated on the plus strand (C on the coding strand, the reverse complement: SCN1A is on the minus strand). VCF-style (leftmost placement, unchanged base first): chr2-166043857-T-TG. GRCh37 (hg19) VCF-style: chr2-166900367-T-TG.
Other names: c.1851dup, p.Asn618fs (NM_001353960.2, NM_001353954.2, NM_001353955.2); c.-572dup (NM_001353961.2); c.1854dup, p.Asn619fs (NM_006920.6, NM_001165964.3, NM_001202435.3 and 7 more transcripts); short protein forms N618fs, N619fs.
Identifiers: ClinVar variation 2769221 (VCV002769221.3), dbSNP rs2468152727, ClinGen allele CA2697551227.